The following is an entry in ClinVar:

ClinVar aggregate classification (germline): Conflicting classifications of pathogenicity. Review status: criteria provided, conflicting classifications (1 of 4 stars). 2 submissions from 2 submitters: Likely pathogenic (1); Uncertain significance (1). Last evaluated 2024-07-22.

Conditions:
Chronic granulomatous disease. Identifiers: Orphanet 379, MedGen C0018203, MONDO:0018305.

Allele frequency attached by ClinVar (database versions not stated): TOPMed 0.00001.

Submissions (2):

Natera, Inc.
Classification: Likely pathogenic for Chronic granulomatous disease. Last evaluated: 2024-07-22. Review status: criteria provided, single submitter. Criteria: Natera Variant Classification Schema (03/2026). Collection method: clinical testing. Allele origin: germline.
Comment: The c.2T>C variant in CYBA is predicted to result in start loss due to disruption of the initiator methionine. This variant is expected to result in nonsense mediated decay, truncation, or a dysfunctional protein product. This variant is rare in the general population with a frequency below the threshold expected for the associated phenotype(s). Given the available evidence, this variant is classified as Likely Pathogenic.

Women's Health and Genetics/Laboratory Corporation of America, LabCorp
Classification: Uncertain significance. Last evaluated: 2022-10-22. Review status: criteria provided, single submitter. Criteria: LabCorp Variant Classification Summary - May 2015. Collection method: clinical testing. Allele origin: germline.
Comment: Variant summary: CYBA c.2T>C (p.Met1Thr) alters the initiation codon and is predicted to result either in absence of the protein or truncation of the encoded protein due to translation initiation at a downstream codon. An alternative downstream in-frame start codon, Met8, is located in exon 1. The activation of this potential downstream translation initiation site would result in a shortened protein missing the first 7 amino acids from the protein sequence. To our knowledge no other pathogenic variants has been reported upstream of this alternate start codon. Four of four in-silico tools predict a damaging effect of the variant on protein function. The variant was absent in 212382 control chromosomes (gnomAD). The available data on variant occurrences in the general population are insufficient to allow any conclusion about variant significance. To our knowledge, no occurrence of c.2T>C in individuals affected with Chronic Granulomatous Disease and no experimental evidence demonstrating its impact on protein function have been reported. No clinical diagnostic laboratories have submitted clinical-significance assessments for this variant to ClinVar after 2014, however other start-loss variants have been classified as VUS (e.g. c.1A>T [p.Met1Leu]). Based on the evidence outlined above, the variant was classified as uncertain significance.

NM_000101.4(CYBA):c.2T>C (p.Met1Thr)

Gene: CYBA (cytochrome b-245 alpha chain; minus strand). Cytogenetic location: 16q24.2.
Variant type: single nucleotide variant.
Coding change: c.2T>C on transcript NM_000101.4 (MANE Select); coding-DNA position 2, T replaced by C.
Protein change: p.Met1Thr; changes the start codon (methionine 1).
Molecular consequence: missense variant, initiator codon variant.
Genome position (GRCh38, 1-based): chr16:88,651,012, A>G on the plus strand (T>C on the coding strand, the complement: CYBA is on the minus strand). VCF-style: chr16-88651012-A-G. GRCh37 (hg19) VCF-style: chr16-88717420-A-G.
Other names: short protein forms M1T.
Identifiers: ClinVar variation 1723365 (VCV001723365.4), dbSNP rs770116947, ClinGen allele CA397067902.